The following is an entry in ClinVar:

NC_000017.10:g.(?_29508652)_(29510182_?)del

Gene: NF1 (neurofibromin 1; plus strand). Cytogenetic location: 17q11.2.
Variant type: Deletion.
Identifiers: ClinVar variation 3242884 (VCV003242884.1).

ClinVar aggregate classification (germline): Pathogenic (1 of 4 stars; one submission).

Conditions:
Neurofibromatosis, type 1 (NF1). Also called: VON RECKLINGHAUSEN DISEASE; Neurofibromatosis, type I; Peripheral type neurofibromatosis; NEUROFIBROMATOSIS, TYPE I, SOMATIC. Identifiers: Orphanet 636, MedGen C0027831, MONDO:0018975, OMIM 162200. Disease mechanism: loss of function.

Submission:

Labcorp Genetics (formerly Invitae), Labcorp
Classification: Pathogenic for Neurofibromatosis, type 1. Last evaluated: 2023-04-14. Review status: criteria provided, single submitter. Criteria: Invitae Variant Classification Sherloc (09022015). Collection method: clinical testing. Allele origin: unknown.
Comment: For these reasons, this variant has been classified as Pathogenic. This variant disrupts a region of the NF1 protein in which other variant(s) (p.Leu273Arg) have been determined to be pathogenic (PMID: 27716896). This suggests that this is a clinically significant region of the protein, and that variants that disrupt it are likely to be disease-causing. This variant has not been reported in the literature in individuals affected with NF1-related conditions. This variant is a gross deletion of the genomic region encompassing exon(s) 7-8 of the NF1 gene. This variant would be expected to be in-frame, preserving the integrity of the reading frame.

Literature cited by the submitters: PubMed 27716896.